The following is an entry in ClinVar:

NM_000180.4(GUCY2D):c.1449G>A (p.Leu483=)

Gene: GUCY2D (guanylate cyclase 2D, retinal; plus strand). Cytogenetic location: 17p13.1.
Variant type: single nucleotide variant.
Coding change: c.1449G>A on transcript NM_000180.4 (MANE Select); coding-DNA position 1449, G replaced by A.
Protein change: p.Leu483=; no amino-acid change (leucine 483 retained).
Molecular consequence: synonymous variant.
Genome position (GRCh38, 1-based): chr17:8,007,130, G>A. VCF-style: chr17-8007130-G-A. GRCh37 (hg19) VCF-style: chr17-7910448-G-A.
Other names: c.1449G>A (NM_000180.3).
Identifiers: ClinVar variation 1367640 (VCV001367640.9), dbSNP rs141346556, ClinGen allele CA8365747.

ClinVar aggregate classification (germline): Likely benign. Review status: criteria provided, multiple submitters, no conflicts (2 of 4 stars). 2 submissions from 2 submitters: Likely benign (2). Last evaluated 2025-03-31.

Conditions:
GUCY2D-related disorder. Also called: GUCY2D-related condition.
Cone-rod dystrophy 6 (CORD6). Also called: RETINAL CONE DYSTROPHY 2; Cone dystrophy progressive. Identifiers: Orphanet 1872, MedGen C1866293, MONDO:0011143, OMIM 601777.
Leber congenital amaurosis 1 (LCA1). Also called: Congenital absence of the rods and cones; Leber's congenital tapetoretinal degeneration; Leber's congenital tapetoretinal dysplasia; RETINAL BLINDNESS, CONGENITAL; AMAUROSIS CONGENITA OF LEBER I. Identifiers: Orphanet 65, MedGen C2931258, MONDO:0008764, OMIM 204000.

Allele frequency attached by ClinVar (database versions not stated): TOPMed below 0.00001; ExAC 0.00001; gnomAD exomes 0.00001; ESP Exome Variant Server 0.00008.

Submissions (2):

PreventionGenetics, part of Exact Sciences
Classification: Likely benign for GUCY2D-related condition. Last evaluated: 2025-03-31. Review status: criteria provided, single submitter. Criteria: ACMG Guidelines, 2015. Collection method: clinical testing. Allele origin: germline.
Comment: This variant is classified as likely benign based on ACMG/AMP sequence variant interpretation guidelines (Richards et al. 2015 PMID: 25741868, with internal and published modifications).

Labcorp Genetics (formerly Invitae), Labcorp
Classification: Likely benign for Leber congenital amaurosis 1; Cone-rod dystrophy 6. Last evaluated: 2024-10-22. Review status: criteria provided, single submitter. Criteria: Invitae Variant Classification Sherloc (09022015). Collection method: clinical testing. Allele origin: germline.